The following is an entry in ClinVar:

ClinVar aggregate classification (germline): Uncertain significance. Review status: criteria provided, multiple submitters, no conflicts (2 of 4 stars). 3 submissions from 3 submitters: Uncertain significance (3). Last evaluated 2025-05-04.

Conditions:
Progressive myoclonic epilepsy type 3. Also called: KCTD7-Related Progressive Myoclonic Epilepsy; EPILEPSY, PROGRESSIVE MYOCLONIC, 3, WITHOUT INTRACELLULAR INCLUSIONS; EPILEPSY, PROGRESSIVE MYOCLONIC, 3, WITH OR WITHOUT INTRACELLULAR INCLUSIONS; CEROID LIPOFUSCINOSIS, NEURONAL, 14. Identifiers: Orphanet 263516, MedGen C2673257, MONDO:0012721, OMIM 611726.
Inborn genetic diseases. Identifiers: MedGen C0950123, MeSH D030342.

Allele frequency attached by ClinVar (database versions not stated): TOPMed 0.00002; gnomAD 0.00004; 1000 Genomes Project 30x 0.00016; 1000 Genomes Project 0.00020.
gnomAD v4.1: 22 of 1,613,978 alleles (0.0014%); highest among the groups gnomAD compares: East Asian, 0.0022%; no homozygotes.

Submissions (3):

Mayo Clinic Laboratories, Mayo Clinic
Classification: Uncertain significance. Last evaluated: 2025-05-04. Review status: criteria provided, single submitter. Criteria: ACMG Guidelines, 2015. Collection method: clinical testing. Allele origin: germline. Observed: 1 variant allele.

Labcorp Genetics (formerly Invitae), Labcorp
Classification: Uncertain significance for Progressive myoclonic epilepsy type 3. Last evaluated: 2022-08-02. Review status: criteria provided, single submitter. Criteria: Invitae Variant Classification Sherloc (09022015). Collection method: clinical testing. Allele origin: germline.
Comment: This sequence change replaces arginine, which is basic and polar, with tryptophan, which is neutral and slightly polar, at codon 175 of the KCTD7 protein (p.Arg175Trp). This variant is present in population databases (rs568539835, gnomAD 0.003%). This variant has not been reported in the literature in individuals affected with KCTD7-related conditions. ClinVar contains an entry for this variant (Variation ID: 835977). Algorithms developed to predict the effect of missense changes on protein structure and function are either unavailable or do not agree on the potential impact of this missense change (SIFT: "Deleterious"; PolyPhen-2: "Benign"; Align-GVGD: "Class C25"). In summary, the available evidence is currently insufficient to determine the role of this variant in disease. Therefore, it has been classified as a Variant of Uncertain Significance.

Ambry Genetics
Classification: Uncertain significance for Inborn genetic diseases. Last evaluated: 2020-08-05. Review status: criteria provided, single submitter. Criteria: Ambry Variant Classification Scheme 2023. Collection method: clinical testing. Allele origin: germline.
Comment: The p.R175W variant (also known as c.523C>T), located in coding exon 4 of the KCTD7 gene, results from a C to T substitution at nucleotide position 523. The arginine at codon 175 is replaced by tryptophan, an amino acid with dissimilar properties. This amino acid position is not well conserved in available vertebrate species. In addition, this alteration is predicted to be deleterious by in silico analysis. Since supporting evidence is limited at this time, the clinical significance of this alteration remains unclear.

NM_153033.5(KCTD7):c.523C>T (p.Arg175Trp)

Gene: KCTD7 (potassium channel tetramerization domain containing 7; plus strand). Cytogenetic location: 7q11.21.
Variant type: single nucleotide variant.
Coding change: c.523C>T on transcript NM_153033.5 (MANE Select); coding-DNA position 523, C replaced by T.
Protein change: p.Arg175Trp; replaces arginine 175 with tryptophan.
Molecular consequence: missense variant.
Genome position (GRCh38, 1-based): chr7:66,638,885, C>T. VCF-style: chr7-66638885-C-T. GRCh37 (hg19) VCF-style: chr7-66103872-C-T.
Other names: p.Arg175Trp; c.523C>T, p.Arg175Trp (NM_001167961.2); short protein forms R175W.
Identifiers: ClinVar variation 835977 (VCV000835977.10), dbSNP rs568539835, ClinGen allele CA4278285.